The following is an entry in ClinVar:

ClinVar aggregate classification (germline): Pathogenic (1 of 4 stars; one submission).

Conditions:
Pontocerebellar hypoplasia type 1B. Also called: EXOSC3 Pontocerebellar Hypoplasia. Identifiers: Orphanet 2254, MedGen C3553449, MONDO:0013853, OMIM 614678.

Submission:

Labcorp Genetics (formerly Invitae), Labcorp
Classification: Pathogenic for Pontocerebellar hypoplasia type 1B. Last evaluated: 2023-09-26. Review status: criteria provided, single submitter. Criteria: Invitae Variant Classification Sherloc (09022015). Collection method: clinical testing. Allele origin: germline.
Comment: For these reasons, this variant has been classified as Pathogenic. This variant disrupts a region of the EXOSC3 protein in which other variant(s) (p.Asp132Ala) have been determined to be pathogenic (PMID: 22544365, 23975261, 24524299, 25533962). This suggests that this is a clinically significant region of the protein, and that variants that disrupt it are likely to be disease-causing. Disruption of the initiator codon has been observed in individual(s) with pontocerebellar hypoplasia (PMID: 23284067). This variant is not present in population databases (gnomAD no frequency). This sequence change affects the initiator methionine of the EXOSC3 mRNA. The next in-frame methionine is located at codon 174.

Literature cited by the submitters: PubMed 22544365; PubMed 23975261; PubMed 24524299; PubMed 25533962; PubMed 23284067.

NM_016042.4(EXOSC3):c.1A>T (p.Met1Leu)

Gene: EXOSC3 (exosome component 3; minus strand). Cytogenetic location: 9p13.2.
Variant type: single nucleotide variant.
Coding change: c.1A>T on transcript NM_016042.4 (MANE Select); coding-DNA position 1, A replaced by T.
Protein change: p.Met1Leu; changes the start codon (methionine 1).
Molecular consequence: missense variant, initiator codon variant.
Genome position (GRCh38, 1-based): chr9:37,785,044, T>A on the plus strand (A>T on the coding strand, the complement: EXOSC3 is on the minus strand). VCF-style: chr9-37785044-T-A. GRCh37 (hg19) VCF-style: chr9-37785041-T-A.
Other names: c.1A>T, p.Met1Leu (NM_001002269.2); short protein forms M1L.
Identifiers: ClinVar variation 2912064 (VCV002912064.3), dbSNP rs773436764, ClinGen allele CA192954244.